The following is an entry in ClinVar:

ClinVar aggregate classification (germline): Conflicting classifications of pathogenicity. Review status: criteria provided, conflicting classifications (1 of 4 stars). 3 submissions from 3 submitters: Likely pathogenic (2); Uncertain significance (1). Last evaluated 2025-10-09.

Conditions:
Alport syndrome. Also called: Hemorrhagic familial nephritis; Hemorrhagic hereditary nephritis; Congenital hereditary hematuria. Identifiers: Orphanet 63, MedGen C1567741, MONDO:0018965.
Autosomal dominant Alport syndrome (ATS3A). Also called: Alport syndrome dominant type; Renal failure and sensorineural hearing loss; ALPORT SYNDROME 3A, AUTOSOMAL DOMINANT. Identifiers: Orphanet 63, Orphanet 88918, MedGen C5882663, MONDO:0007086, OMIM 104200.
Alport syndrome 3b, autosomal recessive. Identifiers: MedGen C5882699, MONDO:0957811, OMIM 620536.
Hematuria, benign familial, 2 (BFH2). Identifiers: MedGen C5830421, MONDO:0958186, OMIM 620320.

gnomAD v4.1: 1 of 1,613,806 alleles (0.000062%); no homozygotes.

Submissions (3):

Natera, Inc.
Classification: Likely pathogenic for Alport syndrome. Last evaluated: 2025-10-09. Review status: criteria provided, single submitter. Criteria: Natera Variant Classification Schema (03/2026). Collection method: clinical testing. Allele origin: germline.
Comment: The c.2602G>C variant in COL4A3 is a missense variant predicted to cause substitution of glycine to arginine at amino acid 868. This variant is rare in the general population with a frequency below the threshold expected for the associated phenotype(s). This variant is located in a functionally critical region of the protein. Computational prediction algorithms indicate this variant is likely to affect gene or protein function. Given the available evidence, this variant is classified as Likely Pathogenic.

Fulgent Genetics
Classification: Likely pathogenic for Autosomal dominant Alport syndrome; Hematuria, benign familial, 2; Alport syndrome 3b, autosomal recessive. Last evaluated: 2024-04-05. Review status: criteria provided, single submitter. Criteria: ACMG Guidelines, 2015. Collection method: clinical testing. Allele origin: germline.

Labcorp Genetics (formerly Invitae), Labcorp
Classification: Uncertain significance. Last evaluated: 2023-11-29. Review status: criteria provided, single submitter. Criteria: Invitae Variant Classification Sherloc (09022015). Collection method: clinical testing. Allele origin: germline.
Comment: This sequence change replaces glycine, which is neutral and non-polar, with arginine, which is basic and polar, at codon 868 of the COL4A3 protein (p.Gly868Arg). This variant is not present in population databases (gnomAD no frequency). This missense change has been observed in individual(s) with clinical features of Alport syndrome (Invitae). ClinVar contains an entry for this variant (Variation ID: 1403951). Advanced modeling of protein sequence and biophysical properties (such as structural, functional, and spatial information, amino acid conservation, physicochemical variation, residue mobility, and thermodynamic stability) performed at Invitae indicates that this missense variant is expected to disrupt COL4A3 protein function with a positive predictive value of 80%. This variant disrupts the p.Gly868 amino acid residue in COL4A3. Other variant(s) that disrupt this residue have been determined to be pathogenic (PMID: 34589218). This suggests that this residue is clinically significant, and that variants that disrupt this residue are likely to be disease-causing. In summary, the available evidence is currently insufficient to determine the role of this variant in disease. Therefore, it has been classified as a Variant of Uncertain Significance.

Literature cited by the submitters: PubMed 34589218 (cited by Labcorp Genetics (formerly Invitae), Labcorp).

NM_000091.5(COL4A3):c.2602G>C (p.Gly868Arg)

Genes: COL4A3 (collagen type IV alpha 3 chain; plus strand), MFF-DT (MFF divergent transcript; minus strand). Cytogenetic location: 2q36.3.
Variant type: single nucleotide variant.
Coding change: c.2602G>C on transcript NM_000091.5 (MANE Select); coding-DNA position 2602, G replaced by C.
Protein change: p.Gly868Arg; replaces glycine 868 with arginine.
Molecular consequence: missense variant.
Genome position (GRCh38, 1-based): chr2:227,282,478, G>C. VCF-style: chr2-227282478-G-C. GRCh37 (hg19) VCF-style: chr2-228147194-G-C.
Other names: c.2602G>C (NM_000091.4); short protein forms G868R.
Identifiers: ClinVar variation 1403951 (VCV001403951.10), dbSNP rs2106164384, ClinGen allele CA350850579.